The following is an entry in ClinVar:

NM_201384.3(PLEC):c.5165C>T (p.Thr1722Met)

Gene: PLEC (plectin; minus strand). Cytogenetic location: 8q24.3.
Variant type: single nucleotide variant.
Coding change: c.5165C>T on transcript NM_201384.3 (MANE Select); coding-DNA position 5165, C replaced by T.
Protein change: p.Thr1722Met; replaces threonine 1722 with methionine.
Molecular consequence: missense variant.
Genome position (GRCh38, 1-based): chr8:143,924,764, G>A on the plus strand (C>T on the coding strand, the complement: PLEC is on the minus strand). VCF-style: chr8-143924764-G-A. GRCh37 (hg19) VCF-style: chr8-144998932-G-A.
Other names: c.5246C>T, p.Thr1749Met (NM_000445.5); c.5123C>T, p.Thr1708Met (NM_201378.4); c.5099C>T, p.Thr1700Met (NM_201379.3); c.5576C>T, p.Thr1859Met (NM_201380.4); c.5069C>T, p.Thr1690Met (NM_201381.3); c.5165C>T, p.Thr1722Met (NM_201382.4); c.5177C>T, p.Thr1726Met (NM_201383.3); short protein forms T1690M, T1700M, T1708M, T1722M, T1726M, T1749M, T1859M.
Identifiers: ClinVar variation 93059 (VCV000093059.58), dbSNP rs377665141, ClinGen allele CA146419.
Genomic context (GRCh38, chr8:143,924,764, plus strand): 5'-TCACGCTGCAGCCGGGCCAGCTCCTCCTCCAGCAGCTGCCGCTGCTGCTCCCCCTGCTCC[G>A]TCTCGGCCCGCAGCCGGATCAACTCCTGCTCCGCGGCCAGGCGCTGCTGCGCGGTGCCTT-3'
Protein context (NP_958786.1, residues 1712-1732): EQELIRLRAE[Thr1722Met]EQGEQQRQLL

ClinVar aggregate classification (germline): Benign/Likely benign. Review status: criteria provided, multiple submitters, no conflicts (2 of 4 stars). 7 submissions from 7 submitters: Benign (4); Likely benign (3). Last evaluated 2026-01-31.

Conditions:
Epidermolysis bullosa simplex with nail dystrophy (EBS5D). Identifiers: MedGen C4225309, MONDO:0014661, OMIM 616487.
Epidermolysis bullosa simplex 5C, with pyloric atresia (EBS5C). Also called: PLEC-Related Epidermolysis Bullosa with Pyloric Atresia; Epidermolysis bullosa simplex with pyloric atresia; PLEC1-Related Epidermolysis Bullosa with Pyloric Atresia. Identifiers: Orphanet 158684, MedGen C2677349, MONDO:0012807, OMIM 612138.
Epidermolysis bullosa simplex 5B, with muscular dystrophy (EBS5B). Also called: EPIDERMOLYSIS BULLOSA SIMPLEX AND LIMB-GIRDLE MUSCULAR DYSTROPHY; Epidermolysis bullosa simplex with muscular dystrophy. Identifiers: Orphanet 257, MedGen C2931072, MONDO:0009181, OMIM 226670.
Autosomal recessive limb-girdle muscular dystrophy type 2Q (LGMDR17). Also called: MUSCULAR DYSTROPHY, LIMB-GIRDLE, AUTOSOMAL RECESSIVE 17. Identifiers: Orphanet 254361, MedGen C3150989, MONDO:0013390, OMIM 613723.
Epidermolysis bullosa simplex, Ogna type (EBS5A). Also called: Pidermolysis bullosa simplex 5A, Ogna type; EPIDERMOLYSIS BULLOSA SIMPLEX 5A, OGNA TYPE. Identifiers: Orphanet 79401, MedGen C0432317, MONDO:0007555, OMIM 131950.

Allele frequency attached by ClinVar (database versions not stated): gnomAD exomes 0.00043 and 0.00085; gnomAD 0.00440 and 0.00412; 1000 Genomes Project 30x 0.00406; ExAC 0.00083; TOPMed 0.00457; ESP Exome Variant Server 0.00250; 1000 Genomes Project 0.00399.
gnomAD v4.1: 1,246 of 1,535,140 alleles (0.081%); highest among the groups gnomAD compares: African/African-American, 1.4%; 6 homozygotes.

Submissions (7):

Labcorp Genetics (formerly Invitae), Labcorp
Classification: Benign for Autosomal recessive limb-girdle muscular dystrophy type 2Q; Epidermolysis bullosa simplex, Ogna type; Epidermolysis bullosa simplex with nail dystrophy; Epidermolysis bullosa simplex 5C, with pyloric atresia; Epidermolysis bullosa simplex 5B, with muscular dystrophy. Last evaluated: 2026-01-31. Review status: criteria provided, single submitter. Criteria: Invitae Variant Classification Sherloc (09022015). Collection method: clinical testing. Allele origin: germline.

Mayo Clinic Laboratories, Mayo Clinic
Classification: Benign. Last evaluated: 2025-03-28. Review status: criteria provided, single submitter. Criteria: ACMG Guidelines, 2015. Collection method: clinical testing. Allele origin: germline. Observed: 1 variant allele.
Comment: BA1, BP4_moderate

Blueprint Genetics
Classification: Likely benign. Last evaluated: 2024-10-07. Review status: criteria provided, single submitter. Criteria: ACMG Guidelines, 2015. Collection method: clinical testing. Allele origin: germline.

Athena Diagnostics
Classification: Benign. Last evaluated: 2024-08-29. Review status: criteria provided, single submitter. Criteria: Athena Diagnostics Criteria. Collection method: clinical testing. Allele origin: unknown.

GeneDx
Classification: Likely benign. Last evaluated: 2017-07-27. Review status: criteria provided, single submitter. Criteria: GeneDx Variant Classification (06012015). Collection method: clinical testing. Allele origin: germline. Affected: yes.
Comment: This variant is considered likely benign or benign based on one or more of the following criteria: it is a conservative change, it occurs at a poorly conserved position in the protein, it is predicted to be benign by multiple in silico algorithms, and/or has population frequency not consistent with disease.

Eurofins Ntd Llc (ga)
Classification: Benign. Last evaluated: 2013-07-26. Review status: criteria provided, single submitter. Criteria: EGL Classification Definitions 2015. Collection method: clinical testing. Allele origin: germline. Observed: 1 variant allele, 1 heterozygote.

Breakthrough Genomics
Classification: Likely benign. Review status: criteria provided, single submitter. Criteria: ACMG Guidelines, 2015. Collection method: not provided. Allele origin: germline. Inheritance: Autosomal recessive inheritance. Affected: yes.